The following is an entry in ClinVar:

NM_001854.4(COL11A1):c.2142+368T>C

Gene: COL11A1 (collagen type XI alpha 1 chain; minus strand). Cytogenetic location: 1p21.1.
Variant type: single nucleotide variant.
Coding change: c.2142+368T>C on transcript NM_001854.4 (MANE Select); 368 bases into the intron after coding-DNA position 2142, T replaced by C.
Molecular consequence: intron variant.
Genome position (GRCh38, 1-based): chr1:103,001,557, A>G on the plus strand (T>C on the coding strand, the complement: COL11A1 is on the minus strand). VCF-style: chr1-103001557-A-G. GRCh37 (hg19) VCF-style: chr1-103467113-A-G.
Other names: c.2025+368T>C (NM_001190709.2); c.2178+368T>C (NM_080629.3); c.1794+368T>C (NM_080630.4).
Identifiers: ClinVar variation 2638951 (VCV002638951.24), dbSNP rs1384907403, ClinGen allele CA524902333.

ClinVar aggregate classification (germline): Likely benign (1 of 4 stars; one submission).

Allele frequency attached by ClinVar (database versions not stated): gnomAD exomes 0.00002; TOPMed 0.00002; gnomAD 0.00003.
gnomAD v4.1: 12 of 458,662 alleles (0.0026%); highest among the groups gnomAD compares: Non-Finnish European, 0.0038%; no homozygotes.

Submission:

CeGaT Center for Human Genetics Tuebingen
Classification: Likely benign. Last evaluated: 2022-03-01. Review status: criteria provided, single submitter. Criteria: CeGaT Center For Human Genetics Tuebingen Variant Classification Criteria Version 2. Collection method: clinical testing. Allele origin: germline. Affected: yes. Observed: 1 variant allele.
Comment: COL11A1: BP4, BP7